The following is an entry in ClinVar:

ClinVar aggregate classification (germline): Uncertain significance. Review status: criteria provided, multiple submitters, no conflicts (2 of 4 stars). 2 submissions from 2 submitters: Uncertain significance (2). Last evaluated 2025-01-19.

Conditions:
Inborn genetic diseases. Identifiers: MedGen C0950123, MeSH D030342.
Charcot-Marie-Tooth disease type 2. Also called: Charcot-Marie-Tooth type 2. Identifiers: Orphanet 64746, MedGen C0270914, MONDO:0018993.

Allele frequency attached by ClinVar (database versions not stated): gnomAD exomes 0.00005; gnomAD 0.00007; ExAC 0.00005.
gnomAD v4.1: 61 of 1,609,904 alleles (0.0038%); highest among the groups gnomAD compares: Admixed American, 0.018%; no homozygotes.

Submissions (2):

Ambry Genetics
Classification: Uncertain significance for Inborn genetic diseases. Last evaluated: 2025-01-19. Review status: criteria provided, single submitter. Criteria: Ambry Variant Classification Scheme 2023. Collection method: clinical testing. Allele origin: germline.

Labcorp Genetics (formerly Invitae), Labcorp
Classification: Uncertain significance for Charcot-Marie-Tooth disease type 2. Last evaluated: 2022-08-22. Review status: criteria provided, single submitter. Criteria: Invitae Variant Classification Sherloc (09022015). Collection method: clinical testing. Allele origin: germline.
Comment: In summary, the available evidence is currently insufficient to determine the role of this variant in disease. Therefore, it has been classified as a Variant of Uncertain Significance. Algorithms developed to predict the effect of missense changes on protein structure and function are either unavailable or do not agree on the potential impact of this missense change (SIFT: "Deleterious"; PolyPhen-2: "Possibly Damaging"; Align-GVGD: "Class C0"). ClinVar contains an entry for this variant (Variation ID: 1497406). This variant has not been reported in the literature in individuals affected with MED25-related conditions. This variant is present in population databases (rs752175666, gnomAD 0.02%). This sequence change replaces arginine, which is basic and polar, with cysteine, which is neutral and slightly polar, at codon 586 of the MED25 protein (p.Arg586Cys).

NM_030973.4(MED25):c.1756C>T (p.Arg586Cys)

Gene: MED25 (mediator complex subunit 25; plus strand). Cytogenetic location: 19q13.33.
Variant type: single nucleotide variant.
Coding change: c.1756C>T on transcript NM_030973.4 (MANE Select); coding-DNA position 1756, C replaced by T.
Protein change: p.Arg586Cys; replaces arginine 586 with cysteine.
Molecular consequence: missense variant.
Genome position (GRCh38, 1-based): chr19:49,835,736, C>T. VCF-style: chr19-49835736-C-T. GRCh37 (hg19) VCF-style: chr19-50338993-C-T.
Other names: c.1756C>T, p.Arg586Cys (NM_001378355.1); c.1756C>T (NM_030973.3); short protein forms R586C.
Identifiers: ClinVar variation 1497406 (VCV001497406.6), dbSNP rs752175666, ClinGen allele CA9585369.
Genomic context (GRCh38, chr19:49,835,736, plus strand): 5'-GGGGCGTGAGGCCCTGCCCATCTCCCTCACCCCTGTGTCTCTTCCCACCAGCTCCAGCTC[C>T]GCCCACCGCAGCCCCAGCCTCAGGGTACCGTAGGGGCCTCTGGGGCCACGGGGCAGCCCC-3'
Protein context (NP_112235.2, residues 576-596): ARPSQNLLQL[Arg586Cys]PPQPQPQGTV